The following is an entry in ClinVar:

NM_000257.4(MYH7):c.3172G>A (p.Asp1058Asn)

Gene: MYH7 (myosin heavy chain 7; minus strand). Cytogenetic location: 14q11.2.
Variant type: single nucleotide variant.
Coding change: c.3172G>A on transcript NM_000257.4 (MANE Select); coding-DNA position 3172, G replaced by A.
Protein change: p.Asp1058Asn; replaces aspartic acid 1058 with asparagine.
Molecular consequence: missense variant.
Genome position (GRCh38, 1-based): chr14:23,422,253, C>T on the plus strand (G>A on the coding strand, the complement: MYH7 is on the minus strand). VCF-style: chr14-23422253-C-T. GRCh37 (hg19) VCF-style: chr14-23891462-C-T.
Other names: p.D1058N:GAC>AAC; c.3172G>A (LRG_384t1); short protein forms D1058N.
Identifiers: ClinVar variation 181217 (VCV000181217.28), dbSNP rs730880770, ClinGen allele CA013446.
Genomic context (GRCh38, chr14:23,422,253, plus strand): 5'-CATCCAGCTGCTGCTTGTCATTCTCCAGGTCCATGATGCTCTCCTGGGTCAGCTTCAGGT[C>T]GCCCTCCAGCTTCCGCTTCGCTCGCTCCAGGTCCATGCGCACCTTCTTCTCTTGCTCCAG-3'
Protein context (NP_000248.2, residues 1048-1068): LERAKRKLEG[Asp1058Asn]LKLTQESIMD

ClinVar aggregate classification (germline): Conflicting classifications of pathogenicity. Review status: criteria provided, conflicting classifications (1 of 4 stars). 5 submissions from 5 submitters: Pathogenic (1); Uncertain significance (4). Last evaluated 2026-09-28.

Conditions:
Cardiovascular phenotype. Identifiers: MedGen CN230736.
Hypertrophic cardiomyopathy. Also called: HYPERTROPHIC MYOCARDIOPATHY. Identifiers: Orphanet 217569, MedGen C0007194, MeSH D002312, MONDO:0005045, HP:0001639.

Allele frequency attached by ClinVar (database versions not stated): gnomAD exomes below 0.00001; TOPMed 0.00001.
gnomAD v4.1: 1 of 1,614,050 alleles (0.000062%); highest among the groups gnomAD compares: East Asian, 0.0022%; no homozygotes.

Submissions (5):

GeneDx
Classification: Uncertain significance. Last evaluated: 2026-09-28. Review status: criteria provided, single submitter. Criteria: GeneDx Variant Classification Process June 2021. Collection method: clinical testing. Allele origin: germline.
Comment: Not observed at significant frequency in large population cohorts (gnomAD); In silico analysis supports that this missense variant has a deleterious effect on protein structure/function; This variant is associated with the following publications: (PMID: 38473809, 37904629, 33954932)

Molecular Diagnostic Laboratory for Inherited Cardiovascular Disease, Montreal Heart Institute
Classification: Uncertain significance for Cardiovascular phenotype. Last evaluated: 2026-03-27. Review status: criteria provided, single submitter. Criteria: ACMG Guidelines, 2015. Collection method: clinical testing. Allele origin: germline. Affected: yes.
Comment: PS4_supp, PM2

Ambry Genetics
Classification: Uncertain significance for Cardiovascular phenotype. Last evaluated: 2026-03-04. Review status: criteria provided, single submitter. Criteria: Ambry Variant Classification Scheme 2023. Collection method: clinical testing. Allele origin: germline.
Comment: The p.D1058N variant (also known as c.3172G>A), located in coding exon 23 of the MYH7 gene, results from a G to A substitution at nucleotide position 3172. The aspartic acid at codon 1058 is replaced by asparagine, an amino acid with highly similar properties. This variant was reported in individual(s) with features consistent with dilated cardiomyopathy (Janin A et al. Mol Diagn Ther, 2021 May;25:373-385; Perret C et al. Clin Genet, 2024 Feb;105:185-189; Voinescu OR et al. Int J Mol Sci, 2024 Feb;25; Ambry internal data). This amino acid position is highly conserved in available vertebrate species. In addition, the in silico prediction for this alteration is inconclusive. Based on the available evidence, the clinical significance of this variant remains unclear.

Labcorp Genetics (formerly Invitae), Labcorp
Classification: Pathogenic for Hypertrophic cardiomyopathy. Last evaluated: 2025-09-15. Review status: criteria provided, single submitter. Criteria: Invitae Variant Classification Sherloc (09022015). Collection method: clinical testing. Allele origin: germline.
Comment: This sequence change replaces aspartic acid, which is acidic and polar, with asparagine, which is neutral and polar, at codon 1058 of the MYH7 protein (p.Asp1058Asn). This variant is not present in population databases (gnomAD no frequency). This missense change has been observed in individuals with dilated cardiomyopathy (internal data). ClinVar contains an entry for this variant (Variation ID: 181217). Invitae Evidence Modeling of protein sequence and biophysical properties (such as structural, functional, and spatial information, amino acid conservation, physicochemical variation, residue mobility, and thermodynamic stability) indicates that this missense variant is expected to disrupt MYH7 protein function with a positive predictive value of 95%. This variant disrupts the p.Asp1058 amino acid residue in MYH7. Other variant(s) that disrupt this residue have been determined to be pathogenic (internal data). This suggests that this residue is clinically significant, and that variants that disrupt this residue are likely to be disease-causing. For these reasons, this variant has been classified as Pathogenic.

CeGaT Center for Human Genetics Tuebingen
Classification: Uncertain significance. Last evaluated: 2024-11-01. Review status: criteria provided, single submitter. Criteria: CeGaT Center For Human Genetics Tuebingen Variant Classification Criteria Version 2. Collection method: clinical testing. Allele origin: germline. Affected: yes. Observed: 1 variant allele.
Comment: MYH7: PM2

Literature cited by the submitters: PubMed 33954932 (cited by Ambry Genetics); PubMed 37904629 (cited by Ambry Genetics); PubMed 38473809 (cited by Ambry Genetics).